The following is an entry in ClinVar:

NM_004974.4(KCNA2):c.235G>C (p.Asp79His)

Gene: KCNA2 (potassium voltage-gated channel subfamily A member 2; minus strand). Cytogenetic location: 1p13.3.
Variant type: single nucleotide variant.
Coding change: c.235G>C on transcript NM_004974.4 (MANE Select); coding-DNA position 235, G replaced by C.
Protein change: p.Asp79His; replaces aspartic acid 79 with histidine.
Molecular consequence: missense variant.
Genome position (GRCh38, 1-based): chr1:110,604,548, C>G on the plus strand (G>C on the coding strand, the complement: KCNA2 is on the minus strand). VCF-style: chr1-110604548-C-G. GRCh37 (hg19) VCF-style: chr1-111147170-C-G.
Other names: c.235G>C, p.Asp79His (NM_001204269.2); short protein forms D79H.
Identifiers: ClinVar variation 2813219 (VCV002813219.3), dbSNP rs747844549, ClinGen allele CA1000744.

ClinVar aggregate classification (germline): Uncertain significance (1 of 4 stars; one submission).

Conditions:
Developmental and epileptic encephalopathy, 32 (DEE32). Also called: Epileptic encephalopathy, early infantile, 32. Identifiers: Orphanet 442835, MedGen C4225350, MONDO:0014607, OMIM 616366.

Allele frequency attached by ClinVar (database versions not stated): ExAC 0.00001.

Submission:

Labcorp Genetics (formerly Invitae), Labcorp
Classification: Uncertain significance for Developmental and epileptic encephalopathy, 32. Last evaluated: 2022-11-10. Review status: criteria provided, single submitter. Criteria: Invitae Variant Classification Sherloc (09022015). Collection method: clinical testing. Allele origin: germline.
Comment: In summary, the available evidence is currently insufficient to determine the role of this variant in disease. Therefore, it has been classified as a Variant of Uncertain Significance. Advanced modeling of protein sequence and biophysical properties (such as structural, functional, and spatial information, amino acid conservation, physicochemical variation, residue mobility, and thermodynamic stability) performed at Invitae indicates that this missense variant is expected to disrupt KCNA2 protein function. This variant has not been reported in the literature in individuals affected with KCNA2-related conditions. This variant is present in population databases (rs747844549, gnomAD 0.0009%). This sequence change replaces aspartic acid, which is acidic and polar, with histidine, which is basic and polar, at codon 79 of the KCNA2 protein (p.Asp79His).